The following is an entry in ClinVar:

ClinVar aggregate classification (germline): Likely benign (1 of 4 stars; one submission).

Conditions:
EP300-related disorder. Also called: EP300-related condition; EP300-related disorders.

gnomAD v4.1: 1 of 1,613,854 alleles (0.000062%); highest among the groups gnomAD compares: Non-Finnish European, 0.000085%; no homozygotes.

Submission:

PreventionGenetics, part of Exact Sciences
Classification: Likely benign for EP300-related condition. Last evaluated: 2025-03-04. Review status: criteria provided, single submitter. Criteria: ACMG Guidelines, 2015. Collection method: clinical testing. Allele origin: germline.
Comment: This variant is classified as likely benign based on ACMG/AMP sequence variant interpretation guidelines (Richards et al. 2015 PMID: 25741868, with internal and published modifications).

NM_001429.4(EP300):c.2054-6C>T

Gene: EP300 (EP300 lysine acetyltransferase; plus strand). Cytogenetic location: 22q13.2.
Variant type: single nucleotide variant.
Coding change: c.2054-6C>T on transcript NM_001429.4 (MANE Select); 6 bases into the intron before coding-DNA position 2054, C replaced by T.
Molecular consequence: intron variant.
Genome position (GRCh38, 1-based): chr22:41,146,733, C>T. VCF-style: chr22-41146733-C-T. GRCh37 (hg19) VCF-style: chr22-41542737-C-T.
Other names: c.2054-1104C>T (NM_001362843.2).
Identifiers: ClinVar variation 4996905 (VCV004996905.1).